The following is an entry in ClinVar:

ClinVar aggregate classification (germline): Uncertain significance (1 of 4 stars; one submission).

Conditions:
Hereditary cancer-predisposing syndrome. Also called: Neoplastic Syndromes, Hereditary; Tumor predisposition; Hereditary Cancer Syndrome; Hereditary neoplastic syndrome. Identifiers: Orphanet 140162, MedGen C0027672, MeSH D009386, MONDO:0015356.

Submission:

Ambry Genetics
Classification: Uncertain significance for Hereditary cancer-predisposing syndrome. Last evaluated: 2023-06-22. Review status: criteria provided, single submitter. Criteria: Ambry Variant Classification Scheme 2023. Collection method: clinical testing. Allele origin: germline.
Comment: The p.R102L variant (also known as c.305G>T), located in coding exon 2 of the PHOX2B gene, results from a G to T substitution at nucleotide position 305. The arginine at codon 102 is replaced by leucine, an amino acid with dissimilar properties. This amino acid position is highly conserved in available vertebrate species. In addition, this alteration is predicted to be deleterious by in silico analysis. Since supporting evidence is limited at this time, the clinical significance of this alteration remains unclear.

NM_003924.4(PHOX2B):c.305G>T (p.Arg102Leu)

Gene: PHOX2B (paired like homeobox 2B; minus strand). Cytogenetic location: 4p13.
Variant type: single nucleotide variant.
Coding change: c.305G>T on transcript NM_003924.4 (MANE Select); coding-DNA position 305, G replaced by T.
Protein change: p.Arg102Leu; replaces arginine 102 with leucine.
Molecular consequence: missense variant.
Genome position (GRCh38, 1-based): chr4:41,747,473, C>A on the plus strand (G>T on the coding strand, the complement: PHOX2B is on the minus strand). VCF-style: chr4-41747473-C-A. GRCh37 (hg19) VCF-style: chr4-41749490-C-A.
Other names: short protein forms R102L.
Identifiers: ClinVar variation 1799353 (VCV001799353.2), dbSNP rs2552097034, ClinGen allele CA356740371.